The following is an entry in ClinVar:

ClinVar aggregate classification (germline): Pathogenic. Review status: criteria provided, multiple submitters, no conflicts (2 of 4 stars). 3 submissions from 3 submitters: Pathogenic (3). Last evaluated 2026-09-08.

Conditions:
Hereditary cancer-predisposing syndrome. Also called: Hereditary Cancer Syndrome; Tumor predisposition; Hereditary neoplastic syndrome; Neoplastic Syndromes, Hereditary. Identifiers: Orphanet 140162, MedGen C0027672, MeSH D009386, MONDO:0015356.
Rhabdoid tumor predisposition syndrome 2 (RTPS2). Identifiers: Orphanet 231108, Orphanet 69077, MedGen C2750074, MONDO:0013224, OMIM 613325.

gnomAD v4.1: 1 of 1,612,584 alleles (0.000062%); highest among the groups gnomAD compares: African/African-American, 0.0013%; no homozygotes.

Submissions (3):

Myriad Genetics, Inc.
Classification: Pathogenic for Rhabdoid tumor predisposition syndrome 2. Last evaluated: 2026-09-08. Review status: criteria provided, single submitter. Criteria: Myriad Autosomal Dominant, Autosomal Recessive and X-Linked Classification Criteria (2023). Collection method: clinical testing. Allele origin: unknown.
Comment: This variant is considered pathogenic. This variant creates a termination codon and is predicted to result in premature protein truncation.

Ambry Genetics
Classification: Pathogenic for Hereditary cancer-predisposing syndrome. Last evaluated: 2024-09-24. Review status: criteria provided, single submitter. Criteria: Ambry Variant Classification Scheme 2023. Collection method: clinical testing. Allele origin: germline.
Comment: The p.R1447* pathogenic mutation (also known as c.4339C>T), located in coding exon 30 of the SMARCA4 gene, results from a C to T substitution at nucleotide position 4339. This changes the amino acid from an arginine to a stop codon within coding exon 30. This variant is considered to be rare based on population cohorts in the Genome Aggregation Database (gnomAD). Loss-of-function variants in SMARCA4 are known to cause rhabdoid tumor predisposition syndrome including small cell carcinoma of the ovary-hypercalcemic type (SCCOHT); however, such associations with neurodevelopmental disorders are exceedingly rare (Kosho T et al. Am J Med Genet C Semin Med Genet. 2014 Sep;166C(3):262-75; Jelinic P et al. Nat Genet. 2014 May;46(5):424-6). This alteration is expected to result in loss of function by premature protein truncation or nonsense-mediated mRNA decay. Based on the supporting evidence, this alteration is pathogenic for rhabdoid tumor predisposition syndrome; however, the association of this alteration with Coffin-Siris syndrome is unlikely.

Labcorp Genetics (formerly Invitae), Labcorp
Classification: Pathogenic for Rhabdoid tumor predisposition syndrome 2. Last evaluated: 2020-10-18. Review status: criteria provided, single submitter. Criteria: Invitae Variant Classification Sherloc (09022015). Collection method: clinical testing. Allele origin: germline.
Comment: This sequence change creates a premature translational stop signal (p.Arg1447*) in the SMARCA4 gene. It is expected to result in an absent or disrupted protein product. This variant is not present in population databases (ExAC no frequency). This variant has not been reported in the literature in individuals with SMARCA4-related conditions. ClinVar contains an entry for this variant (Variation ID: 238464). Algorithms developed to predict the effect of sequence changes on RNA splicing suggest that this variant may create or strengthen a splice site, but this prediction has not been confirmed by published transcriptional studies. Loss-of-function variants in SMARCA4 are known to be pathogenic (PMID: 24658001, 24658002). For these reasons, this variant has been classified as Pathogenic.

Literature cited by the submitters: PubMed 24658001 (cited by Labcorp Genetics (formerly Invitae), Labcorp); PubMed 24658002 (cited by Labcorp Genetics (formerly Invitae), Labcorp).

NM_003072.5(SMARCA4):c.4243C>T (p.Arg1415Ter)

Gene: SMARCA4 (SWI/SNF related BAF chromatin remodeling complex subunit ATPase 4; plus strand). Cytogenetic location: 19p13.2.
Variant type: single nucleotide variant.
Coding change: c.4243C>T on transcript NM_003072.5 (MANE Select); coding-DNA position 4243, C replaced by T.
Protein change: p.Arg1415Ter; replaces arginine 1415 with a stop codon.
Molecular consequence: nonsense. On other transcripts: non-coding transcript variant (1).
Genome position (GRCh38, 1-based): chr19:11,041,379, C>T. VCF-style: chr19-11041379-C-T. GRCh37 (hg19) VCF-style: chr19-11152055-C-T.
Other names: c.4243C>T, p.Arg1415Ter (NM_001128844.3); c.4153C>T, p.Arg1385Ter (NM_001128845.2, NM_001128846.2); c.4144C>T, p.Arg1382Ter (NM_001128847.4, NM_001128848.2, NM_001374457.1); c.4339C>T, p.Arg1447Ter (NM_001128849.3, NM_001387283.1); short protein forms R1447*, R1382*, R1415*, R1385*.
Identifiers: ClinVar variation 238464 (VCV000238464.13), dbSNP rs878854224, ClinGen allele CA10583754.